The following is an entry in ClinVar:

ClinVar aggregate classification (germline): Uncertain significance (1 of 4 stars; one submission).

Conditions:
Hereditary cancer-predisposing syndrome. Also called: Neoplastic Syndromes, Hereditary; Tumor predisposition; Hereditary neoplastic syndrome; Hereditary Cancer Syndrome. Identifiers: Orphanet 140162, MedGen C0027672, MeSH D009386, MONDO:0015356.

Allele frequency attached by ClinVar (database versions not stated): gnomAD exomes below 0.00001.
gnomAD v4.1: 1 of 1,613,500 alleles (0.000062%); highest among the groups gnomAD compares: Non-Finnish European, 0.000085%; no homozygotes.

Submission:

Ambry Genetics
Classification: Uncertain significance for Hereditary cancer-predisposing syndrome. Last evaluated: 2025-08-29. Review status: criteria provided, single submitter. Criteria: Ambry Variant Classification Scheme 2023. Collection method: clinical testing. Allele origin: germline.
Comment: The p.K913E variant (also known as c.2737A>G), located in coding exon 27 of the RB1 gene, results from an A to G substitution at nucleotide position 2737. The lysine at codon 913 is replaced by glutamic acid, an amino acid with similar properties. This amino acid position is conserved. In addition, this alteration is predicted to be tolerated by in silico analysis. Based on the available evidence, the clinical significance of this variant remains unclear.

NM_000321.3(RB1):c.2737A>G (p.Lys913Glu)

Gene: RB1 (RB transcriptional corepressor 1; plus strand). Cytogenetic location: 13q14.2.
Variant type: single nucleotide variant.
Coding change: c.2737A>G on transcript NM_000321.3 (MANE Select); coding-DNA position 2737, A replaced by G.
Protein change: p.Lys913Glu; replaces lysine 913 with glutamic acid.
Molecular consequence: missense variant.
Genome position (GRCh38, 1-based): chr13:48,480,021, A>G. VCF-style: chr13-48480021-A-G. GRCh37 (hg19) VCF-style: chr13-49054157-A-G.
Other names: c.2756A>G, p.Lys919Arg (NM_001407165.1); c.187A>G, p.Lys63Glu (NM_001407168.1); short protein forms K913E, K919R, K63E.
Identifiers: ClinVar variation 2450513 (VCV002450513.3), dbSNP rs2542387790, ClinGen allele CA388158311.
Genomic context (GRCh38, chr13:48,480,021, plus strand): 5'-CATCAATGCTGTTAACAGTTCTTCATCCTTTTTCCAGCTTCTACTCGAACACGAATGCAA[A>G]AGCAGAAAATGAATGATAGCATGGATACCTCAAACAAGGAAGAGAAATGAGGATCTCAGG-3'
Protein context (NP_000312.2, residues 903-923): EMTSTRTRMQ[Lys913Glu]QKMNDSMDTS